The following is an entry in ClinVar:

NM_001367624.2(ZNF469):c.2363C>A (p.Ala788Glu)

Gene: ZNF469 (zinc finger protein 469; plus strand). Cytogenetic location: 16q24.2.
Variant type: single nucleotide variant.
Coding change: c.2363C>A on transcript NM_001367624.2 (MANE Select); coding-DNA position 2363, C replaced by A.
Protein change: p.Ala788Glu; replaces alanine 788 with glutamic acid.
Molecular consequence: missense variant.
Genome position (GRCh38, 1-based): chr16:88,429,833, C>A. VCF-style: chr16-88429833-C-A. GRCh37 (hg19) VCF-style: chr16-88496241-C-A.
Other names: short protein forms A788E.
Identifiers: ClinVar variation 3768104 (VCV003768104.1).
Genomic context (GRCh38, chr16:88,429,833, plus strand): 5'-CAGGCCCCCCTGGGCTCCCCTCGCCCCCCGCTGCCCCCAGAGTCCCTGCCGACGCACACG[C>A]GGGCTTGCTCAGCCACGCGAAGACCTTCCTGTTAGCTGGGGACGCCCAGGCCGAGGGCAA-3'
Protein context (NP_001354553.1, residues 778-798): AAPRVPADAH[Ala788Glu]GLLSHAKTFL

ClinVar aggregate classification (germline): Uncertain significance (1 of 4 stars; one submission).

Submission:

Women's Health and Genetics/Laboratory Corporation of America, LabCorp
Classification: Uncertain significance. Last evaluated: 2024-12-11. Review status: criteria provided, single submitter. Criteria: LabCorp Variant Classification Summary - May 2015. Collection method: clinical testing. Allele origin: germline.
Comment: Variant summary: ZNF469 c.2363C>A (p.Ala788Glu) results in a non-conservative amino acid change in the encoded protein sequence. Three of four in-silico tools predict a benign effect of the variant on protein function. The variant was absent in 147158 control chromosomes. The available data on variant occurrences in the general population are insufficient to allow any conclusion about variant significance. To our knowledge, no occurrence of c.2363C>A in individuals affected with Brittle cornea syndrome 1 and no experimental evidence demonstrating its impact on protein function have been reported. No submitters have cited clinical-significance assessments for this variant to ClinVar. Based on the evidence outlined above, the variant was classified as uncertain significance.